The following is an entry in ClinVar:

NM_000138.5(FBN1):c.5238A>G (p.Thr1746=)

Gene: FBN1 (fibrillin 1; minus strand). Cytogenetic location: 15q21.1.
Variant type: single nucleotide variant.
Coding change: c.5238A>G on transcript NM_000138.5 (MANE Select); coding-DNA position 5238, A replaced by G.
Protein change: p.Thr1746=; no amino-acid change (threonine 1746 retained).
Molecular consequence: synonymous variant.
Genome position (GRCh38, 1-based): chr15:48,460,304, T>C on the plus strand (A>G on the coding strand, the complement: FBN1 is on the minus strand). VCF-style: chr15-48460304-T-C. GRCh37 (hg19) VCF-style: chr15-48752501-T-C.
Other names: c.5238A>G, p.Thr1746= (NM_001406716.1).
Identifiers: ClinVar variation 3072943 (VCV003072943.4), dbSNP rs754417348, ClinGen allele CA054546.

ClinVar aggregate classification (germline): Likely benign. Review status: criteria provided, multiple submitters, no conflicts (2 of 4 stars). 3 submissions from 3 submitters: Likely benign (3). Last evaluated 2025-12-11.

Conditions:
Marfan syndrome (MFS). Also called: MARFAN SYNDROME, TYPE I; Marfan syndrome type 1; Marfan's syndrome; Marfan syndrome, classic; FBN1-Related Marfan Syndrome. Identifiers: Orphanet 284963, Orphanet 558, MedGen C0024796, MONDO:0007947, OMIM 154700.
Familial thoracic aortic aneurysm and aortic dissection (TAAD). Also called: Thoracic aortic aneurysms and dissections. Identifiers: Orphanet 91387, MedGen C4707243, MONDO:0019625.

Allele frequency attached by ClinVar (database versions not stated): gnomAD exomes below 0.00001; ExAC 0.00001; TOPMed 0.00003.
gnomAD v4.1: 2 of 1,612,362 alleles (0.00012%); highest among the groups gnomAD compares: Admixed American, 0.0033%; no homozygotes.

Submissions (3):

Labcorp Genetics (formerly Invitae), Labcorp
Classification: Likely benign for Marfan syndrome; Familial thoracic aortic aneurysm and aortic dissection. Last evaluated: 2025-12-11. Review status: criteria provided, single submitter. Criteria: Invitae Variant Classification Sherloc (09022015). Collection method: clinical testing. Allele origin: germline.

All of Us Research Program, National Institutes of Health
Classification: Likely benign for Marfan syndrome. Last evaluated: 2024-08-23. Review status: criteria provided, single submitter. Criteria: ACMG Guidelines, 2015. Collection method: clinical testing. Allele origin: germline. Inheritance: Autosomal dominant inheritance. Observed: 2 variant alleles, 2 heterozygotes.
Comment: This study involves interpretation of variants in research participants for the purpose of population health screening. Participant phenotype was not available at the time of variant classification. Additional details can be found in publication PMID: 35346344, PMCID: PMC8962531

Color Diagnostics, LLC DBA Color Health
Classification: Likely benign for Familial thoracic aortic aneurysm and aortic dissection. Last evaluated: 2023-07-21. Review status: criteria provided, single submitter. Criteria: ACMG Guidelines, 2015. Collection method: clinical testing. Allele origin: germline.